The following is an entry in ClinVar:

NM_004304.5(ALK):c.2882C>T (p.Pro961Leu)

Gene: ALK (ALK receptor tyrosine kinase; minus strand). Cytogenetic location: 2p23.2.
Variant type: single nucleotide variant.
Coding change: c.2882C>T on transcript NM_004304.5 (MANE Select); coding-DNA position 2882, C replaced by T.
Protein change: p.Pro961Leu; replaces proline 961 with leucine.
Molecular consequence: missense variant.
Genome position (GRCh38, 1-based): chr2:29,227,606, G>A on the plus strand (C>T on the coding strand, the complement: ALK is on the minus strand). VCF-style: chr2-29227606-G-A. GRCh37 (hg19) VCF-style: chr2-29450472-G-A.
Other names: short protein forms P961L.
Identifiers: ClinVar variation 1797192 (VCV001797192.2), dbSNP rs2465973487, ClinGen allele CA346468405.

ClinVar aggregate classification (germline): Uncertain significance (1 of 4 stars; one submission).

Conditions:
Hereditary cancer-predisposing syndrome. Also called: Tumor predisposition; Hereditary Cancer Syndrome; Neoplastic Syndromes, Hereditary; Hereditary neoplastic syndrome. Identifiers: Orphanet 140162, MedGen C0027672, MeSH D009386, MONDO:0015356.

Submission:

Ambry Genetics
Classification: Uncertain significance for Hereditary cancer-predisposing syndrome. Last evaluated: 2022-08-07. Review status: criteria provided, single submitter. Criteria: Ambry Variant Classification Scheme 2023. Collection method: clinical testing. Allele origin: germline.
Comment: The p.P961L variant (also known as c.2882C>T), located in coding exon 17 of the ALK gene, results from a C to T substitution at nucleotide position 2882. The proline at codon 961 is replaced by leucine, an amino acid with similar properties. This amino acid position is conserved. In addition, the in silico prediction for this alteration is inconclusive. Since supporting evidence is limited at this time, the clinical significance of this alteration remains unclear.